The following is an entry in ClinVar:

NM_000046.5(ARSB):c.393G>T (p.Gln131His)

Gene: ARSB (arylsulfatase B; minus strand). Cytogenetic location: 5q14.1.
Variant type: single nucleotide variant.
Coding change: c.393G>T on transcript NM_000046.5 (MANE Select); coding-DNA position 393, G replaced by T.
Protein change: p.Gln131His; replaces glutamine 131 with histidine.
Molecular consequence: missense variant.
Genome position (GRCh38, 1-based): chr5:78,969,112, C>A on the plus strand (G>T on the coding strand, the complement: ARSB is on the minus strand). VCF-style: chr5-78969112-C-A. GRCh37 (hg19) VCF-style: chr5-78264935-C-A.
Other names: c.393G>T, p.Gln131His (NM_198709.3); short protein forms Q131H.
Identifiers: ClinVar variation 837899 (VCV000837899.10), dbSNP rs139174369, ClinGen allele CA3318278.

ClinVar aggregate classification (germline): Uncertain significance. Review status: criteria provided, multiple submitters, no conflicts (2 of 4 stars). 3 submissions from 3 submitters: Uncertain significance (2). 1 of the submissions does not count toward it. Last evaluated 2026-03-02.

Conditions:
ARSB-related disorder. Also called: ARSB-related condition.
Mucopolysaccharidosis type 6 (MPS6). Also called: ARSB DEFICIENCY; ARYLSULFATASE B DEFICIENCY; N-ACETYLGALACTOSAMINE-4-SULFATASE DEFICIENCY; MPS 6; Maroteaux Lamy syndrome; MPS VI. Identifiers: Orphanet 583, MedGen C0026709, MONDO:0009661, OMIM 253200.

Allele frequency attached by ClinVar (database versions not stated): ExAC 0.00002; gnomAD exomes 0.00004; ESP Exome Variant Server 0.00008; gnomAD 0.00009 and 0.00010; TOPMed 0.00012.
gnomAD v4.1: 29 of 1,613,994 alleles (0.0018%); highest among the groups gnomAD compares: African/African-American, 0.027%; no homozygotes.

Submissions (3):

PreventionGenetics, part of Exact Sciences
Classification: Uncertain significance for ARSB-related condition. Last evaluated: 2026-03-02. Review status: criteria provided, single submitter. Criteria: ACMG Guidelines, 2015. Collection method: clinical testing. Allele origin: germline.
Comment: The ARSB c.393G>T variant is predicted to result in the amino acid substitution p.Gln131His. To our knowledge, this variant has not been reported in the literature. This variant is reported in 0.036% of alleles in individuals of African descent in gnomAD. At this time, the clinical significance of this variant is uncertain due to the absence of conclusive functional and genetic evidence.

Labcorp Genetics (formerly Invitae), Labcorp
Classification: Uncertain significance for Mucopolysaccharidosis type 6. Last evaluated: 2025-01-15. Review status: criteria provided, single submitter. Criteria: Invitae Variant Classification Sherloc (09022015). Collection method: clinical testing. Allele origin: germline.
Comment: This sequence change replaces glutamine, which is neutral and polar, with histidine, which is basic and polar, at codon 131 of the ARSB protein (p.Gln131His). This variant is present in population databases (rs139174369, gnomAD 0.03%). This variant has not been reported in the literature in individuals affected with ARSB-related conditions. ClinVar contains an entry for this variant (Variation ID: 837899). Invitae Evidence Modeling of protein sequence and biophysical properties (such as structural, functional, and spatial information, amino acid conservation, physicochemical variation, residue mobility, and thermodynamic stability) indicates that this missense variant is expected to disrupt ARSB protein function with a positive predictive value of 95%. In summary, the available evidence is currently insufficient to determine the role of this variant in disease. Therefore, it has been classified as a Variant of Uncertain Significance.

Natera, Inc.
Classification: Uncertain significance for Mucopolysaccharidosis type VI. Last evaluated: 2020-09-08. Review status: no assertion criteria provided. Collection method: clinical testing. Allele origin: germline. Not counted in ClinVar's aggregate classification.